The following is an entry in ClinVar:

NM_006343.3(MERTK):c.2805T>C (p.Ser935=)

Gene: MERTK (MER proto-oncogene, tyrosine kinase; plus strand). Cytogenetic location: 2q13.
Variant type: single nucleotide variant.
Coding change: c.2805T>C on transcript NM_006343.3 (MANE Select); coding-DNA position 2805, T replaced by C.
Protein change: p.Ser935=; no amino-acid change (serine 935 retained).
Molecular consequence: synonymous variant.
Genome position (GRCh38, 1-based): chr2:112,028,669, T>C. VCF-style: chr2-112028669-T-C. GRCh37 (hg19) VCF-style: chr2-112786246-T-C.
Identifiers: ClinVar variation 3067517 (VCV003067517.21), dbSNP rs2466929552, ClinGen allele CA428548641.

ClinVar aggregate classification (germline): Likely benign (1 of 4 stars; one submission).

Allele frequency attached by ClinVar (database versions not stated): gnomAD exomes below 0.00001.
gnomAD v4.1: 3 of 1,614,068 alleles (0.00019%); highest among the groups gnomAD compares: Non-Finnish European, 0.00025%; no homozygotes.

Submission:

CeGaT Center for Human Genetics Tuebingen
Classification: Likely benign. Last evaluated: 2024-03-01. Review status: criteria provided, single submitter. Criteria: CeGaT Center For Human Genetics Tuebingen Variant Classification Criteria Version 2. Collection method: clinical testing. Allele origin: germline. Affected: yes. Observed: 1 variant allele.
Comment: MERTK: PM2:Supporting, BP4, BP7